The following is an entry in ClinVar:

NM_004260.4(RECQL4):c.1759G>A (p.Ala587Thr)

Gene: RECQL4 (RecQ like helicase 4; minus strand). Cytogenetic location: 8q24.3.
Variant type: single nucleotide variant.
Coding change: c.1759G>A on transcript NM_004260.4 (MANE Select); coding-DNA position 1759, G replaced by A.
Protein change: p.Ala587Thr; replaces alanine 587 with threonine.
Molecular consequence: missense variant.
Genome position (GRCh38, 1-based): chr8:144,514,308, C>T on the plus strand (G>A on the coding strand, the complement: RECQL4 is on the minus strand). VCF-style: chr8-144514308-C-T. GRCh37 (hg19) VCF-style: chr8-145739692-C-T.
Other names: short protein forms A587T.
Identifiers: ClinVar variation 835084 (VCV000835084.7), dbSNP rs1586810759, ClinGen allele CA372681046.
Genomic context (GRCh38, chr8:144,514,308, plus strand): 5'-CCTCATCAATGCAGGCAAAAGCAACTGGAGGCAGCTGTGCGGCTGGAGGGAGGCCTCCCG[C>T]CCCCACCAGTGCCTCAGGTGTCAGCATCAGCACGTGTACCTGGGCTGCCCGAATCTGAAG-3'
Protein context (NP_004251.4, residues 577-597): LMLTPEALVG[Ala587Thr]GGLPPAAQLP

ClinVar aggregate classification (germline): Uncertain significance. Review status: criteria provided, multiple submitters, no conflicts (2 of 4 stars). 2 submissions from 2 submitters: Uncertain significance (2). Last evaluated 2024-12-20.

Conditions:
Baller-Gerold syndrome (BGS). Also called: CRANIOSYNOSTOSIS WITH RADIAL DEFECTS. Identifiers: Orphanet 1225, MedGen C0265308, MONDO:0009039, OMIM 218600.
Inborn genetic diseases. Identifiers: MedGen C0950123, MeSH D030342.

Submissions (2):

Ambry Genetics
Classification: Uncertain significance for Inborn genetic diseases. Last evaluated: 2024-12-20. Review status: criteria provided, single submitter. Criteria: Ambry Variant Classification Scheme 2023. Collection method: clinical testing. Allele origin: germline.
Comment: The p.A587T variant (also known as c.1759G>A), located in coding exon 11 of the RECQL4 gene, results from a G to A substitution at nucleotide position 1759. The alanine at codon 587 is replaced by threonine, an amino acid with similar properties. This amino acid position is conserved. In addition, this alteration is predicted to be tolerated by in silico analysis. Based on the available evidence, the clinical significance of this variant remains unclear.

Labcorp Genetics (formerly Invitae), Labcorp
Classification: Uncertain significance for Baller-Gerold syndrome. Last evaluated: 2023-09-17. Review status: criteria provided, single submitter. Criteria: Invitae Variant Classification Sherloc (09022015). Collection method: clinical testing. Allele origin: germline.
Comment: ClinVar contains an entry for this variant (Variation ID: 835084). In summary, the available evidence is currently insufficient to determine the role of this variant in disease. Therefore, it has been classified as a Variant of Uncertain Significance. Advanced modeling of protein sequence and biophysical properties (such as structural, functional, and spatial information, amino acid conservation, physicochemical variation, residue mobility, and thermodynamic stability) performed at Invitae indicates that this missense variant is not expected to disrupt RECQL4 protein function. This variant has not been reported in the literature in individuals affected with RECQL4-related conditions. This variant is not present in population databases (gnomAD no frequency). This sequence change replaces alanine, which is neutral and non-polar, with threonine, which is neutral and polar, at codon 587 of the RECQL4 protein (p.Ala587Thr).